The following is an entry in ClinVar:

ClinVar aggregate classification (germline): Uncertain significance (1 of 4 stars; one submission).

Conditions:
MOGS-congenital disorder of glycosylation. Also called: CDG 2B; GLUCOSIDASE I DEFICIENCY; MOGS-CDG; CDG IIb. Identifiers: Orphanet 79330, MedGen C1853736, MONDO:0011629, OMIM 606056.

Allele frequency attached by ClinVar (database versions not stated): ExAC 0.00001; TOPMed 0.00001; gnomAD exomes 0.00002.
gnomAD v4.1: 13 of 1,614,064 alleles (0.00081%); highest among the groups gnomAD compares: Non-Finnish European, 0.00068%; no homozygotes.

Submission:

Labcorp Genetics (formerly Invitae), Labcorp
Classification: Uncertain significance for MOGS-congenital disorder of glycosylation. Last evaluated: 2020-06-16. Review status: criteria provided, single submitter. Criteria: Invitae Variant Classification Sherloc (09022015). Collection method: clinical testing. Allele origin: germline.
Comment: In summary, the available evidence is currently insufficient to determine the role of this variant in disease. Therefore, it has been classified as a Variant of Uncertain Significance. Algorithms developed to predict the effect of missense changes on protein structure and function output the following: SIFT: "Tolerated"; PolyPhen-2: "Benign"; Align-GVGD: "Class C0". The aspartic acid amino acid residue is found in multiple mammalian species, suggesting that this missense change does not adversely affect protein function. These predictions have not been confirmed by published functional studies and their clinical significance is uncertain. This variant has not been reported in the literature in individuals with MOGS-related conditions. This variant is present in population databases (rs759959086, ExAC 0.02%). This sequence change replaces glutamic acid with aspartic acid at codon 220 of the MOGS protein (p.Glu220Asp). The glutamic acid residue is moderately conserved and there is a small physicochemical difference between glutamic acid and aspartic acid.

NM_006302.3(MOGS):c.660G>C (p.Glu220Asp)

Gene: MOGS (mannosyl-oligosaccharide glucosidase; minus strand). Cytogenetic location: 2p13.1.
Variant type: single nucleotide variant.
Coding change: c.660G>C on transcript NM_006302.3 (MANE Select); coding-DNA position 660, G replaced by C.
Protein change: p.Glu220Asp; replaces glutamic acid 220 with aspartic acid.
Molecular consequence: missense variant.
Genome position (GRCh38, 1-based): chr2:74,463,306, C>G on the plus strand (G>C on the coding strand, the complement: MOGS is on the minus strand). VCF-style: chr2-74463306-C-G. GRCh37 (hg19) VCF-style: chr2-74690433-C-G.
Other names: c.342G>C, p.Glu114Asp (NM_001146158.2); short protein forms E114D, E220D.
Identifiers: ClinVar variation 1038377 (VCV001038377.8), dbSNP rs759959086, ClinGen allele CA1724963.
Genomic context (GRCh38, chr2:74,463,306, plus strand): 5'-GAAGTCACCAAGTTCACTGGTGTGCCCACTGATAAACTTCAACTGCCCCTTGGCCCCAAC[C>G]TCTGGTAGTAGGACTTCCTTGCCATCTGTCACCACATAGAAGAACAGGGAGACCAAAGGG-3'
Protein context (NP_006293.2, residues 210-230): VTDGKEVLLP[Glu220Asp]VGAKGQLKFI